The following is an entry in ClinVar:

NM_201384.3(PLEC):c.4954G>A (p.Ala1652Thr)

Gene: PLEC (plectin; minus strand). Cytogenetic location: 8q24.3.
Variant type: single nucleotide variant.
Coding change: c.4954G>A on transcript NM_201384.3 (MANE Select); coding-DNA position 4954, G replaced by A.
Protein change: p.Ala1652Thr; replaces alanine 1652 with threonine.
Molecular consequence: missense variant.
Genome position (GRCh38, 1-based): chr8:143,924,975, C>T on the plus strand (G>A on the coding strand, the complement: PLEC is on the minus strand). VCF-style: chr8-143924975-C-T. GRCh37 (hg19) VCF-style: chr8-144999143-C-T.
Other names: c.5035G>A, p.Ala1679Thr (NM_000445.5); c.4912G>A, p.Ala1638Thr (NM_201378.4); c.4888G>A, p.Ala1630Thr (NM_201379.3); c.5365G>A, p.Ala1789Thr (NM_201380.4); c.4858G>A, p.Ala1620Thr (NM_201381.3); c.4954G>A, p.Ala1652Thr (NM_201382.4); c.4966G>A, p.Ala1656Thr (NM_201383.3); short protein forms A1638T, A1789T, A1620T, A1656T, A1679T, A1630T, A1652T.
Identifiers: ClinVar variation 1420254 (VCV001420254.6), dbSNP rs2855763, ClinGen allele CA4926491.
Genomic context (GRCh38, chr8:143,924,975, plus strand): 5'-CGCGCTCCGCCTCCTCCTTCTGCTTCTCAGCCTCGGCCTGCGCCAGGCTCTTCTGCTGCG[C>T]CACCTCCTCCGCCTGCAGCCGCAGCCGTAGCGCCTCGTTGGCCTTGAGCTGCCAGCGCTC-3'
Protein context (NP_958786.1, residues 1642-1662): LRLRLQAEEV[Ala1652Thr]QQKSLAQAEA

ClinVar aggregate classification (germline): Uncertain significance (1 of 4 stars; one submission).

Conditions:
Epidermolysis bullosa simplex 5B, with muscular dystrophy (EBS5B). Also called: EPIDERMOLYSIS BULLOSA SIMPLEX AND LIMB-GIRDLE MUSCULAR DYSTROPHY; Epidermolysis bullosa simplex with muscular dystrophy. Identifiers: Orphanet 257, MedGen C2931072, MONDO:0009181, OMIM 226670.
Epidermolysis bullosa simplex, Ogna type (EBS5A). Also called: Pidermolysis bullosa simplex 5A, Ogna type; EPIDERMOLYSIS BULLOSA SIMPLEX 5A, OGNA TYPE. Identifiers: Orphanet 79401, MedGen C0432317, MONDO:0007555, OMIM 131950.
Epidermolysis bullosa simplex with nail dystrophy (EBS5D). Identifiers: MedGen C4225309, MONDO:0014661, OMIM 616487.
Epidermolysis bullosa simplex 5C, with pyloric atresia (EBS5C). Also called: PLEC1-Related Epidermolysis Bullosa with Pyloric Atresia; Epidermolysis bullosa simplex with pyloric atresia; PLEC-Related Epidermolysis Bullosa with Pyloric Atresia. Identifiers: Orphanet 158684, MedGen C2677349, MONDO:0012807, OMIM 612138.
Autosomal recessive limb-girdle muscular dystrophy type 2Q (LGMDR17). Also called: MUSCULAR DYSTROPHY, LIMB-GIRDLE, AUTOSOMAL RECESSIVE 17. Identifiers: Orphanet 254361, MedGen C3150989, MONDO:0013390, OMIM 613723.

Allele frequency attached by ClinVar (database versions not stated): TOPMed below 0.00001; gnomAD 0.00001; gnomAD exomes 0.00001; ExAC 0.00002.
gnomAD v4.1: 5 of 1,578,456 alleles (0.00032%); highest among the groups gnomAD compares: African/African-American, 0.0067%; no homozygotes.

Submission:

Labcorp Genetics (formerly Invitae), Labcorp
Classification: Uncertain significance for Autosomal recessive limb-girdle muscular dystrophy type 2Q; Epidermolysis bullosa simplex, Ogna type; Epidermolysis bullosa simplex with nail dystrophy; Epidermolysis bullosa simplex 5C, with pyloric atresia; Epidermolysis bullosa simplex 5B, with muscular dystrophy. Last evaluated: 2022-09-01. Review status: criteria provided, single submitter. Criteria: Invitae Variant Classification Sherloc (09022015). Collection method: clinical testing. Allele origin: germline.
Comment: In summary, the available evidence is currently insufficient to determine the role of this variant in disease. Therefore, it has been classified as a Variant of Uncertain Significance. Algorithms developed to predict the effect of sequence changes on RNA splicing suggest that this variant may create or strengthen a splice site. Algorithms developed to predict the effect of missense changes on protein structure and function are either unavailable or do not agree on the potential impact of this missense change (SIFT: "Deleterious"; PolyPhen-2: "Not Available"; Align-GVGD: "Class C55"). ClinVar contains an entry for this variant (Variation ID: 1420254). This variant has not been reported in the literature in individuals affected with PLEC-related conditions. The frequency data for this variant in the population databases is considered unreliable, as metrics indicate poor data quality at this position in the gnomAD database. This sequence change replaces alanine, which is neutral and non-polar, with threonine, which is neutral and polar, at codon 1679 of the PLEC protein (p.Ala1679Thr).